The following is an entry in ClinVar:

NM_017849.4(TMEM127):c.43C>G (p.Arg15Gly)

Genes: TMEM127 (transmembrane protein 127; minus strand), LOC129934333 (ATAC-STARR-seq lymphoblastoid silent region 11759; plus strand). Cytogenetic location: 2q11.2.
Variant type: single nucleotide variant.
Coding change: c.43C>G on transcript NM_017849.4 (MANE Select); coding-DNA position 43, C replaced by G.
Protein change: p.Arg15Gly; replaces arginine 15 with glycine.
Molecular consequence: missense variant. On other transcripts: intron variant (1).
Genome position (GRCh38, 1-based): chr2:96,265,339, G>C on the plus strand (C>G on the coding strand, the complement: TMEM127 is on the minus strand). VCF-style: chr2-96265339-G-C. GRCh37 (hg19) VCF-style: chr2-96931077-G-C.
Other names: c.43C>G, p.Arg15Gly (NM_001193304.3); c.-9+530C>G (NM_001407283.1); short protein forms R15G.
Identifiers: ClinVar variation 2977615 (VCV002977615.4), dbSNP rs1684395770, ClinGen allele CA347656249.

ClinVar aggregate classification (germline): Uncertain significance. Review status: criteria provided, multiple submitters, no conflicts (2 of 4 stars). 2 submissions from 2 submitters: Uncertain significance (2). Last evaluated 2025-09-11.

Conditions:
Hereditary pheochromocytoma and paraganglioma. Also called: Hereditary paragangliomas and pheochromocytomas; Hereditary Paraganglioma-Pheochromocytoma Syndromes; Hereditary pheochromocytoma-paraganglioma. Identifiers: Orphanet 29072, MedGen C4274332, MONDO:0017366.
Hereditary cancer-predisposing syndrome. Also called: Neoplastic Syndromes, Hereditary; Tumor predisposition; Hereditary Cancer Syndrome; Hereditary neoplastic syndrome. Identifiers: Orphanet 140162, MedGen C0027672, MeSH D009386, MONDO:0015356.

Allele frequency attached by ClinVar (database versions not stated): TOPMed below 0.00001; gnomAD exomes 0.00001.
gnomAD v4.1: 5 of 1,507,806 alleles (0.00033%); highest among the groups gnomAD compares: Non-Finnish European, 0.00044%; no homozygotes.

Submissions (2):

Ambry Genetics
Classification: Uncertain significance for Hereditary cancer-predisposing syndrome. Last evaluated: 2025-09-11. Review status: criteria provided, single submitter. Criteria: Ambry Variant Classification Scheme 2023. Collection method: clinical testing. Allele origin: germline.
Comment: The p.R15G variant (also known as c.43C>G), located in coding exon 1 of the TMEM127 gene, results from a C to G substitution at nucleotide position 43. The arginine at codon 15 is replaced by glycine, an amino acid with dissimilar properties. This amino acid position is conserved. In addition, the in silico prediction for this alteration is inconclusive. Based on the available evidence, the clinical significance of this variant remains unclear.

Labcorp Genetics (formerly Invitae), Labcorp
Classification: Uncertain significance for Hereditary pheochromocytoma and paraganglioma. Last evaluated: 2023-11-21. Review status: criteria provided, single submitter. Criteria: Invitae Variant Classification Sherloc (09022015). Collection method: clinical testing. Allele origin: germline.
Comment: This sequence change replaces arginine, which is basic and polar, with glycine, which is neutral and non-polar, at codon 15 of the TMEM127 protein (p.Arg15Gly). This variant is not present in population databases (gnomAD no frequency). This variant has not been reported in the literature in individuals affected with TMEM127-related conditions. Experimental studies and prediction algorithms are not available or were not evaluated, and the functional significance of this variant is currently unknown. In summary, the available evidence is currently insufficient to determine the role of this variant in disease. Therefore, it has been classified as a Variant of Uncertain Significance.